The following is an entry in ClinVar:

ClinVar aggregate classification (germline): Uncertain significance (1 of 4 stars; one submission).

Conditions:
Combined immunodeficiency due to ZAP70 deficiency (IMD48). Also called: Immunodeficiency 48; ZAP70 Deficiency. Identifiers: Orphanet 911, MedGen C2931299, MONDO:0010023, OMIM 269840.

Submission:

Labcorp Genetics (formerly Invitae), Labcorp
Classification: Uncertain significance for Combined immunodeficiency due to ZAP70 deficiency. Last evaluated: 2024-10-24. Review status: criteria provided, single submitter. Criteria: Invitae Variant Classification Sherloc (09022015). Collection method: clinical testing. Allele origin: germline.
Comment: This sequence change replaces glutamic acid, which is acidic and polar, with valine, which is neutral and non-polar, at codon 432 of the ZAP70 protein (p.Glu432Val). This variant is not present in population databases (gnomAD no frequency). This variant has not been reported in the literature in individuals affected with ZAP70-related conditions. ClinVar contains an entry for this variant (Variation ID: 2013500). An algorithm developed to predict the effect of missense changes on protein structure and function (PolyPhen-2) suggests that this variant is likely to be tolerated. In summary, the available evidence is currently insufficient to determine the role of this variant in disease. Therefore, it has been classified as a Variant of Uncertain Significance.

NM_001079.4(ZAP70):c.1295A>T (p.Glu432Val)

Gene: ZAP70 (zeta chain of T cell receptor associated protein kinase 70; plus strand). Cytogenetic location: 2q11.2.
Variant type: single nucleotide variant.
Coding change: c.1295A>T on transcript NM_001079.4 (MANE Select); coding-DNA position 1295, A replaced by T.
Protein change: p.Glu432Val; replaces glutamic acid 432 with valine.
Molecular consequence: missense variant.
Genome position (GRCh38, 1-based): chr2:97,737,478, A>T. VCF-style: chr2-97737478-A-T. GRCh37 (hg19) VCF-style: chr2-98353941-A-T.
Other names: c.1295A>T, p.Glu432Val (NM_001378594.1); c.374A>T, p.Glu125Val (NM_207519.2); short protein forms E432V, E125V.
Identifiers: ClinVar variation 2013500 (VCV002013500.4), dbSNP rs2482784359, ClinGen allele CA347803226.
Genomic context (GRCh38, chr2:97,737,478, plus strand): 5'-CCTGGGAACTTGGCTAGTCTTCTCCCAGCTGACCCCGCCTTCCCCGCCACCCCAGGGAGG[A>T]GATCCCTGTGAGCAATGTGGCCGAGCTGCTGCACCAGGTGTCCATGGGGATGAAGTACCT-3'
Protein context (NP_001070.2, residues 422-442): LHKFLVGKRE[Glu432Val]IPVSNVAELL